The following is an entry in ClinVar:

NM_207122.2(EXT2):c.1565G>A (p.Arg522His)

Gene: EXT2 (exostosin glycosyltransferase 2; plus strand). Cytogenetic location: 11p11.2.
Variant type: single nucleotide variant.
Coding change: c.1565G>A on transcript NM_207122.2 (MANE Select); coding-DNA position 1565, G replaced by A.
Protein change: p.Arg522His; replaces arginine 522 with histidine.
Molecular consequence: missense variant.
Genome position (GRCh38, 1-based): chr11:44,206,862, G>A. VCF-style: chr11-44206862-G-A. GRCh37 (hg19) VCF-style: chr11-44228412-G-A.
Other names: c.1664G>A, p.Arg555His (NM_000401.3); c.1595G>A, p.Arg532His (NM_001178083.3); c.1565G>A, p.Arg522His (NM_001389628.1, NM_001389630.1); short protein forms R522H, R532H, R555H.
Identifiers: ClinVar variation 1425536 (VCV001425536.8), dbSNP rs1271452312, ClinGen allele CA380181099.

ClinVar aggregate classification (germline): Uncertain significance (1 of 4 stars; one submission).

Conditions:
Exostoses, multiple, type 2 (EXT2). Also called: EXOSTOSES, MULTIPLE, TYPE II; Hereditary Multiple Osteochondromatosis, Type II. Identifiers: Orphanet 321, MedGen C1851413, MONDO:0007586, OMIM 133701.

Allele frequency attached by ClinVar (database versions not stated): gnomAD exomes below 0.00001 and 0.00003.
gnomAD v4.1: 47 of 1,614,062 alleles (0.0029%); highest among the groups gnomAD compares: Non-Finnish European, 0.0039%; no homozygotes.

Submission:

Labcorp Genetics (formerly Invitae), Labcorp
Classification: Uncertain significance for Exostoses, multiple, type 2. Last evaluated: 2020-12-24. Review status: criteria provided, single submitter. Criteria: Invitae Variant Classification Sherloc (09022015). Collection method: clinical testing. Allele origin: germline.
Comment: In summary, the available evidence is currently insufficient to determine the role of this variant in disease. Therefore, it has been classified as a Variant of Uncertain Significance. Algorithms developed to predict the effect of missense changes on protein structure and function are either unavailable or do not agree on the potential impact of this missense change (SIFT: "Deleterious"; PolyPhen-2: "Probably Damaging"; Align-GVGD: "Class C0"). This variant has not been reported in the literature in individuals with EXT2-related conditions. This variant is not present in population databases (ExAC no frequency). This sequence change replaces arginine with histidine at codon 522 of the EXT2 protein (p.Arg522His). The arginine residue is highly conserved and there is a small physicochemical difference between arginine and histidine.